The following is an entry in ClinVar:

NM_001366385.1(CARD14):c.1157G>C (p.Arg386Pro)

Gene: CARD14 (caspase recruitment domain family member 14; plus strand). Cytogenetic location: 17q25.3.
Variant type: single nucleotide variant.
Coding change: c.1157G>C on transcript NM_001366385.1 (MANE Select); coding-DNA position 1157, G replaced by C.
Protein change: p.Arg386Pro; replaces arginine 386 with proline.
Molecular consequence: missense variant. On other transcripts: non-coding transcript variant (1).
Genome position (GRCh38, 1-based): chr17:80,191,390, G>C. VCF-style: chr17-80191390-G-C. GRCh37 (hg19) VCF-style: chr17-78165189-G-C.
Other names: c.1157G>C, p.Arg386Pro (NM_001257970.1, NM_024110.4); c.446G>C, p.Arg149Pro (NM_052819.3); short protein forms R149P, R386P.
Identifiers: ClinVar variation 3752580 (VCV003752580.2).

ClinVar aggregate classification (germline): Uncertain significance (1 of 4 stars; one submission).

Conditions:
Pityriasis rubra pilaris (PRP). Also called: Pityriasis rubra pilaris--familial type. Identifiers: Orphanet 2897, MedGen C0032027, MONDO:0100017, OMIM 173200, MONDO:0008251.
Psoriasis 2. Identifiers: MedGen C1864497, MONDO:0011269, OMIM 602723.

gnomAD v4.1: 2 of 1,613,912 alleles (0.00012%); highest among the groups gnomAD compares: Admixed American, 0.0033%; no homozygotes.

Submission:

Labcorp Genetics (formerly Invitae), Labcorp
Classification: Uncertain significance for Pityriasis rubra pilaris; Psoriasis 2. Last evaluated: 2024-05-31. Review status: criteria provided, single submitter. Criteria: Invitae Variant Classification Sherloc (09022015). Collection method: clinical testing. Allele origin: germline.
Comment: This sequence change replaces arginine, which is basic and polar, with proline, which is neutral and non-polar, at codon 386 of the CARD14 protein (p.Arg386Pro). This variant is present in population databases (rs535721220, gnomAD 0.006%). This variant has not been reported in the literature in individuals affected with CARD14-related conditions. Advanced modeling of protein sequence and biophysical properties (such as structural, functional, and spatial information, amino acid conservation, physicochemical variation, residue mobility, and thermodynamic stability) performed at Invitae indicates that this missense variant is expected to disrupt CARD14 protein function with a positive predictive value of 80%. In summary, the available evidence is currently insufficient to determine the role of this variant in disease. Therefore, it has been classified as a Variant of Uncertain Significance.